The following is an entry in ClinVar:

ClinVar aggregate classification (germline): Likely pathogenic (1 of 4 stars; one submission).

Submission:

GeneDx
Classification: Likely pathogenic. Last evaluated: 2016-05-23. Review status: criteria provided, single submitter. Criteria: GeneDx Variant Classification (06012015). Collection method: clinical testing. Allele origin: germline. Affected: yes.
Comment: The D2691Y variant in the UNC80 gene has not been reported previously as a pathogenic variant, nor as a benign variant, to our knowledge. The D2691Y variant was not observed in approximately 2,300 individuals of European and African American ancestry in the NHLBI Exome Sequencing Project, indicating it is not a common benign variant in these populations. This variant is a non-conservative amino acid substitution, which is likely to impact secondary protein structure as these residues differ in polarity, charge, size and/or other properties. The D2691Y substitution occurs at a position that is conserved across species; however, in silico analysis is inconsistent in its predictions as to whether or not the variant is damaging to the protein structure/function. The D2691Y variant is a strong candidate for a pathogenic variant.

NM_001371986.1(UNC80):c.8269G>T (p.Asp2757Tyr)

Gene: UNC80 (unc-80 homolog, NALCN channel complex subunit; plus strand). Cytogenetic location: 2q34.
Variant type: single nucleotide variant.
Coding change: c.8269G>T on transcript NM_001371986.1 (MANE Select); coding-DNA position 8269, G replaced by T.
Protein change: p.Asp2757Tyr; replaces aspartic acid 2757 with tyrosine.
Molecular consequence: missense variant.
Genome position (GRCh38, 1-based): chr2:209,972,213, G>T. VCF-style: chr2-209972213-G-T. GRCh37 (hg19) VCF-style: chr2-210836937-G-T.
Other names: c.8071G>T, p.Asp2691Tyr (NM_032504.2); c.8056G>T, p.Asp2686Tyr (NM_182587.4); short protein forms D2691Y, D2686Y, D2757Y.
Identifiers: ClinVar variation 432173 (VCV000432173.2), dbSNP rs1553619640, ClinGen allele CA350412839.